The following is an entry in ClinVar:

NM_004655.4(AXIN2):c.1701C>T (p.Ser567=)

Gene: AXIN2 (axin 2; minus strand). Cytogenetic location: 17q24.1.
Variant type: single nucleotide variant.
Coding change: c.1701C>T on transcript NM_004655.4 (MANE Select); coding-DNA position 1701, C replaced by T.
Protein change: p.Ser567=; no amino-acid change (serine 567 retained).
Molecular consequence: synonymous variant.
Genome position (GRCh38, 1-based): chr17:65,537,335, G>A on the plus strand (C>T on the coding strand, the complement: AXIN2 is on the minus strand). VCF-style: chr17-65537335-G-A. GRCh37 (hg19) VCF-style: chr17-63533453-G-A.
Other names: c.1701C>T (LRG_296t1); c.1701C>T, p.Ser567= (NM_001363813.1).
Identifiers: ClinVar variation 656537 (VCV000656537.12), dbSNP rs1226661498, ClinGen allele CA501691029.
Genomic context (GRCh38, chr17:65,537,335, plus strand): 5'-GCTGGGAGACAAGCCCCACACGGGACACTGCGGTCCGCCCGGCACTTACCCAAACTGCTC[G>A]CTGGGCATGGTTTCCGGAGCCTTGGAGTGGCTTTTGCATTTCGAGTAGCAGTAATACTCG-3'
Protein context (NP_004646.3, residues 557-577): SHSKAPETMP[Ser567=]EQFGGSRGST

ClinVar aggregate classification (germline): Benign/Likely benign. Review status: criteria provided, multiple submitters, no conflicts (2 of 4 stars). 3 submissions from 3 submitters: Benign (1); Likely benign (2). Last evaluated 2025-11-17.

Conditions:
Oligodontia-cancer predisposition syndrome. Also called: TOOTH AGENESIS-COLORECTAL CANCER SYNDROME. Identifiers: Orphanet 300576, MedGen C1837750, MONDO:0012075, OMIM 608615. Disease mechanism: loss of function.
Hereditary cancer-predisposing syndrome. Also called: Hereditary neoplastic syndrome; Tumor predisposition; Neoplastic Syndromes, Hereditary; Hereditary Cancer Syndrome. Identifiers: Orphanet 140162, MedGen C0027672, MeSH D009386, MONDO:0015356.

Allele frequency attached by ClinVar (database versions not stated): TOPMed 0.00001; gnomAD exomes below 0.00001; gnomAD 0.00001.
gnomAD v4.1: 3 of 1,613,956 alleles (0.00019%); highest among the groups gnomAD compares: African/African-American, 0.004%; no homozygotes.

Submissions (4):

Labcorp Genetics (formerly Invitae), Labcorp
Classification: Likely benign for Oligodontia-cancer predisposition syndrome. Last evaluated: 2025-11-17. Review status: criteria provided, single submitter. Criteria: Invitae Variant Classification Sherloc (09022015). Collection method: clinical testing. Allele origin: germline.

Myriad Genetics, Inc.
Classification: Benign for Oligodontia-cancer predisposition syndrome. Last evaluated: 2024-07-05. Review status: criteria provided, single submitter. Criteria: Myriad Autosomal Dominant, Autosomal Recessive and X-Linked Classification Criteria (2023). Collection method: clinical testing. Allele origin: unknown.
Comment: This variant is considered benign. This variant is a silent/synonymous amino acid change and it is not expected to impact splicing.

Ambry Genetics
Classification: Likely benign for Hereditary cancer-predisposing syndrome. Last evaluated: 2020-08-19. Review status: criteria provided, single submitter. Criteria: Ambry Variant Classification Scheme 2023. Collection method: clinical testing. Allele origin: germline.

Dr. Peter K. Rogan Lab, Western University
No classification provided (evidence only). Condition: Malignant tumor of esophagus. Review status: no classification provided. Collection method: in vitro. Allele origin: not applicable. Functional consequence: retained intron. Not counted in ClinVar's aggregate classification.